The following is an entry in ClinVar:

ClinVar aggregate classification (germline): Uncertain significance (1 of 4 stars; one submission).

Conditions:
Primary ciliary dyskinesia. Also called: Ciliary dyskinesia. Identifiers: Orphanet 244, MedGen C0008780, MONDO:0016575, HP:0012265.

Submission:

Ambry Genetics
Classification: Uncertain significance for Primary ciliary dyskinesia. Last evaluated: 2022-07-17. Review status: criteria provided, single submitter. Criteria: Ambry Variant Classification Scheme 2023. Collection method: clinical testing. Allele origin: germline.
Comment: The p.S996R variant (also known as c.2988T>G), located in coding exon 20 of the DNAH5 gene, results from a T to G substitution at nucleotide position 2988. The serine at codon 996 is replaced by arginine, an amino acid with dissimilar properties. This amino acid position is conserved. In addition, this alteration is predicted to be tolerated by in silico analysis. Since supporting evidence is limited at this time, the clinical significance of this alteration remains unclear.

NM_001369.3(DNAH5):c.2988T>G (p.Ser996Arg)

Genes: DNAH5 (dynein axonemal heavy chain 5; minus strand), DNAH5-AS1 (DNAH5 antisense RNA 1; plus strand). Cytogenetic location: 5p15.2.
Variant type: single nucleotide variant.
Coding change: c.2988T>G on transcript NM_001369.3 (MANE Select); coding-DNA position 2988, T replaced by G.
Protein change: p.Ser996Arg; replaces serine 996 with arginine.
Molecular consequence: missense variant.
Genome position (GRCh38, 1-based): chr5:13,883,090, A>C on the plus strand (T>G on the coding strand, the complement: DNAH5 is on the minus strand). VCF-style: chr5-13883090-A-C. GRCh37 (hg19) VCF-style: chr5-13883199-A-C.
Other names: short protein forms S996R.
Identifiers: ClinVar variation 1798477 (VCV001798477.2), dbSNP rs2547031842, ClinGen allele CA359194392.